The following is an entry in ClinVar:

ClinVar aggregate classification (germline): Uncertain significance (1 of 4 stars; one submission).

Conditions:
Arrhythmogenic right ventricular dysplasia 13. Also called: Arrhythmogenic right ventricular dysplasia, familial, 13; ARRHYTHMOGENIC RIGHT VENTRICULAR CARDIOMYOPATHY 13. Identifiers: MedGen C3810138, MONDO:0000908, OMIM 615616.

Submission:

Labcorp Genetics (formerly Invitae), Labcorp
Classification: Uncertain significance for Arrhythmogenic right ventricular dysplasia 13. Last evaluated: 2022-08-23. Review status: criteria provided, single submitter. Criteria: Invitae Variant Classification Sherloc (09022015). Collection method: clinical testing. Allele origin: germline.
Comment: This variant is a gross deletion of the genomic region encompassing exon(s) 2-5 of the CTNNA3 gene, which includes the initiator codon. This deletion extends beyond the assayed region for this gene and therefore may encompass additional genes. It is expected to result in an absent or disrupted protein product. However, the current clinical and genetic evidence is not sufficient to establish whether loss-of-function variants in CTNNA3 cause disease. This variant has not been reported in the literature in individuals affected with CTNNA3-related conditions. In summary, the available evidence is currently insufficient to determine the role of this variant in disease. Therefore, it has been classified as a Variant of Uncertain Significance.

NC_000010.10:g.(?_69281580)_(69407271_?)del

Gene: CTNNA3 (catenin alpha 3; minus strand). Cytogenetic location: 10q21.3.
Variant type: Deletion.
Identifiers: ClinVar variation 2425834 (VCV002425834.4).